The following is an entry in ClinVar:

NM_001942.4(DSG1):c.85G>A (p.Val29Ile)

Gene: DSG1 (desmoglein 1; plus strand). Cytogenetic location: 18q12.1.
Variant type: single nucleotide variant.
Coding change: c.85G>A on transcript NM_001942.4 (MANE Select); coding-DNA position 85, G replaced by A.
Protein change: p.Val29Ile; replaces valine 29 with isoleucine.
Molecular consequence: missense variant.
Genome position (GRCh38, 1-based): chr18:31,326,874, G>A. VCF-style: chr18-31326874-G-A. GRCh37 (hg19) VCF-style: chr18-28906837-G-A.
Other names: short protein forms V29I.
Identifiers: ClinVar variation 1713346 (VCV001713346.5), dbSNP rs759853035, ClinGen allele CA402127491.

ClinVar aggregate classification (germline): Uncertain significance (1 of 4 stars; one submission).

Allele frequency attached by ClinVar (database versions not stated): gnomAD 0.00001.
gnomAD v4.1: 5 of 1,613,154 alleles (0.00031%); highest among the groups gnomAD compares: African/African-American, 0.0027%; no homozygotes.

Submission:

Labcorp Genetics (formerly Invitae), Labcorp
Classification: Uncertain significance. Last evaluated: 2022-08-30. Review status: criteria provided, single submitter. Criteria: Invitae Variant Classification Sherloc (09022015). Collection method: clinical testing. Allele origin: germline.
Comment: This variant is not present in population databases (gnomAD no frequency). This variant has not been reported in the literature in individuals affected with DSG1-related conditions. Algorithms developed to predict the effect of missense changes on protein structure and function are either unavailable or do not agree on the potential impact of this missense change (SIFT: "Deleterious"; PolyPhen-2: "Possibly Damaging"; Align-GVGD: "Class C0"). In summary, the available evidence is currently insufficient to determine the role of this variant in disease. Therefore, it has been classified as a Variant of Uncertain Significance. This sequence change replaces valine, which is neutral and non-polar, with isoleucine, which is neutral and non-polar, at codon 29 of the DSG1 protein (p.Val29Ile).